The following is an entry in ClinVar:

ClinVar aggregate classification (germline): Uncertain significance (1 of 4 stars; one submission).

Submission:

GeneDx
Classification: Uncertain significance. Last evaluated: 2020-11-16. Review status: criteria provided, single submitter. Criteria: GeneDx Variant Classification Process June 2021. Collection method: clinical testing. Allele origin: germline. Affected: yes.
Comment: Not observed in large population cohorts (Lek et al., 2016); Nonsense variant predicted to result in protein truncation or nonsense mediated decay in a gene for which loss-of-function is not a known mechanism of disease; Has not been previously published as pathogenic or benign to our knowledge

NM_001037.5(SCN1B):c.477delinsATGATGGATG (p.Ser159_Glu160insTer)

Gene: SCN1B (sodium voltage-gated channel beta subunit 1; plus strand). Cytogenetic location: 19q13.11.
Variant type: Indel.
Coding change: c.477delinsATGATGGATG on transcript NM_001037.5 (MANE Select); coding-DNA position 477, T replaced by ATGATGGATG.
Protein change: p.Ser159_Glu160insTer.
Molecular consequence: nonsense, inframe insertion.
Genome position (GRCh38, 1-based): chr19:35,039,145, T replaced by ATGATGGATG. VCF-style: chr19-35039145-T-ATGATGGATG. GRCh37 (hg19) VCF-style: chr19-35530049-T-ATGATGGATG.
Other names: c.477delTinsATGATGGATG (NM_001037.4); c.378delinsATGATGGATG, p.Ser126_Glu127insTer (NM_001321605.2).
Identifiers: ClinVar variation 429354 (VCV000429354.3), dbSNP rs1131691338, ClinGen allele CA645369742.
Genomic context (GRCh38, chr19:35,039,145, plus strand): 5'-GCTACCCCCTTAACCCTGCCTGGCCCCTGCAGCCAACAGAGACATGGCATCCATCGTGTC[T>ATGATGGATG]GAGATCATGATGTATGTGCTCATTGTGGTGTTGACCATATGGCTCGTGGCAGAGATGATT-3'